The following is an entry in ClinVar:

ClinVar aggregate classification (germline): Benign. Review status: criteria provided, multiple submitters, no conflicts (2 of 4 stars). 2 submissions from 2 submitters: Benign (2). Last evaluated 2018-06-14.

Allele frequency attached by ClinVar (database versions not stated): gnomAD exomes 0.00613; gnomAD 0.06031 and 0.06490; 1000 Genomes Project 0.06330; 1000 Genomes Project 30x 0.06746; TOPMed 0.06810.
gnomAD v4.1: 17,179 of 1,387,288 alleles (1.2%); highest among the groups gnomAD compares: African/African-American, 21%; 1,682 homozygotes.

Submissions (2):

GeneDx
Classification: Benign. Last evaluated: 2018-06-14. Review status: criteria provided, single submitter. Criteria: GeneDx Variant Classification (06012015). Collection method: clinical testing. Allele origin: germline. Affected: yes.
Comment: This variant is considered likely benign or benign based on one or more of the following criteria: it is a conservative change, it occurs at a poorly conserved position in the protein, it is predicted to be benign by multiple in silico algorithms, and/or has population frequency not consistent with disease.

Breakthrough Genomics
Classification: Benign. Review status: criteria provided, single submitter. Criteria: ACMG Guidelines, 2015. Collection method: not provided. Allele origin: germline. Inheritance: Autosomal dominant inheritance. Affected: yes.

NM_000548.5(TSC2):c.2967-118T>C

Gene: TSC2 (TSC complex subunit 2; plus strand). Cytogenetic location: 16p13.3.
Variant type: single nucleotide variant.
Coding change: c.2967-118T>C on transcript NM_000548.5 (MANE Select); 118 bases into the intron before coding-DNA position 2967, T replaced by C.
Molecular consequence: intron variant.
Genome position (GRCh38, 1-based): chr16:2,078,914, T>C. VCF-style: chr16-2078914-T-C. GRCh37 (hg19) VCF-style: chr16-2128915-T-C.
Other names: c.2967-118T>C (NM_001114382.3); c.2838-118T>C (NM_021055.3, NM_001370405.1, NM_001363528.2); c.2838-121T>C (NM_001370404.1, NM_001077183.3); c.2727-118T>C (NM_001318827.2); c.2238-121T>C (NM_001318831.2); c.2691-118T>C (NM_001318829.2); c.2871-121T>C (NM_001318832.2).
Identifiers: ClinVar variation 675966 (VCV000675966.2), dbSNP rs9925571, ClinGen allele CA14309698.